The following is an entry in ClinVar:

NM_001130823.3(DNMT1):c.1058T>C (p.Met353Thr)

Gene: DNMT1 (DNA methyltransferase 1; minus strand). Cytogenetic location: 19p13.2.
Variant type: single nucleotide variant.
Coding change: c.1058T>C on transcript NM_001130823.3 (MANE Select); coding-DNA position 1058, T replaced by C.
Protein change: p.Met353Thr; replaces methionine 353 with threonine.
Molecular consequence: missense variant.
Genome position (GRCh38, 1-based): chr19:10,160,049, A>G on the plus strand (T>C on the coding strand, the complement: DNMT1 is on the minus strand). VCF-style: chr19-10160049-A-G. GRCh37 (hg19) VCF-style: chr19-10270725-A-G.
Other names: c.1058T>C (LRG_362t1); c.1010T>C, p.Met337Thr (NM_001318730.2, NM_001379.4); c.695T>C, p.Met232Thr (NM_001318731.2); short protein forms M353T, M232T, M337T.
Identifiers: ClinVar variation 424514 (VCV000424514.7), dbSNP rs544428951, ClinGen allele CA9188411.

ClinVar aggregate classification (germline): Uncertain significance. Review status: criteria provided, multiple submitters, no conflicts (2 of 4 stars). 3 submissions from 3 submitters: Uncertain significance (3). Last evaluated 2025-08-14.

Conditions:
Hereditary sensory neuropathy-deafness-dementia syndrome. Also called: Hereditary Sensory and Autonomic Neuropathy Type 1E (HSAN1E); NEUROPATHY, HEREDITARY SENSORY, WITH HEARING LOSS AND DEMENTIA; Hereditary sensory neuropathy type IE; HSN IE. Identifiers: Orphanet 456318, MedGen C3279885, MONDO:0013584, OMIM 614116.

Allele frequency attached by ClinVar (database versions not stated): ExAC 0.00001; gnomAD 0.00001 and 0.00002; gnomAD exomes 0.00001 and 0.00002; TOPMed 0.00001; 1000 Genomes Project 30x 0.00016; 1000 Genomes Project 0.00020.
gnomAD v4.1: 17 of 1,590,544 alleles (0.0011%); highest among the groups gnomAD compares: Admixed American, 0.0017%; no homozygotes.

Submissions (3):

Labcorp Genetics (formerly Invitae), Labcorp
Classification: Uncertain significance for Hereditary sensory neuropathy-deafness-dementia syndrome. Last evaluated: 2025-08-14. Review status: criteria provided, single submitter. Criteria: Invitae Variant Classification Sherloc (09022015). Collection method: clinical testing. Allele origin: germline.
Comment: This sequence change replaces methionine, which is neutral and non-polar, with threonine, which is neutral and polar, at codon 353 of the DNMT1 protein (p.Met353Thr). This variant is present in population databases (rs544428951, gnomAD 0.003%). This variant has not been reported in the literature in individuals affected with DNMT1-related conditions. ClinVar contains an entry for this variant (Variation ID: 424514). Invitae Evidence Modeling of protein sequence and biophysical properties (such as structural, functional, and spatial information, amino acid conservation, physicochemical variation, residue mobility, and thermodynamic stability) indicates that this missense variant is not expected to disrupt DNMT1 protein function with a negative predictive value of 80%. In summary, the available evidence is currently insufficient to determine the role of this variant in disease. Therefore, it has been classified as a Variant of Uncertain Significance.

GeneDx
Classification: Uncertain significance. Last evaluated: 2025-05-06. Review status: criteria provided, single submitter. Criteria: GeneDx Variant Classification Process June 2021. Collection method: clinical testing. Allele origin: germline. Affected: yes.
Comment: Not observed at significant frequency in large population cohorts (gnomAD); In silico analysis suggests that this missense variant does not alter protein structure/function; Has not been previously published as pathogenic or benign to our knowledge

Blueprint Genetics
Classification: Uncertain significance. Last evaluated: 2021-06-01. Review status: criteria provided, single submitter. Criteria: ACMG Guidelines, 2015. Collection method: clinical testing. Allele origin: germline.